The following is an entry in ClinVar:

ClinVar aggregate classification (germline): Uncertain significance. Review status: criteria provided, multiple submitters, no conflicts (2 of 4 stars). 2 submissions from 2 submitters: Uncertain significance (2). Last evaluated 2023-06-28.

Conditions:
Anemia, congenital dyserythropoietic, type 1a (CDAN1A). Also called: CDAN1-Related Congenital Dyserythropoietic Anemia; DYSERYTHROPOIETIC ANEMIA, CONGENITAL, TYPE Ia. Identifiers: MedGen C5574667, MONDO:0009135, OMIM 224120.

Allele frequency attached by ClinVar (database versions not stated): ExAC 0.00001; gnomAD 0.00003; gnomAD exomes 0.00007.
gnomAD v4.1: 118 of 1,613,524 alleles (0.0073%); highest among the groups gnomAD compares: Non-Finnish European, 0.0091%; no homozygotes.

Submissions (2):

Revvity Omics, Revvity
Classification: Uncertain significance for Anemia, congenital dyserythropoietic, type 1a. Last evaluated: 2023-06-28. Review status: criteria provided, single submitter. Criteria: ACMG Guidelines, 2015. Collection method: clinical testing. Allele origin: germline.

Labcorp Genetics (formerly Invitae), Labcorp
Classification: Uncertain significance. Last evaluated: 2022-07-03. Review status: criteria provided, single submitter. Criteria: Invitae Variant Classification Sherloc (09022015). Collection method: clinical testing. Allele origin: germline.
Comment: In summary, the available evidence is currently insufficient to determine the role of this variant in disease. Therefore, it has been classified as a Variant of Uncertain Significance. Algorithms developed to predict the effect of missense changes on protein structure and function output the following: SIFT: "Tolerated"; PolyPhen-2: "Benign"; Align-GVGD: "Class C0". The aspartic acid amino acid residue is found in multiple mammalian species, which suggests that this missense change does not adversely affect protein function. This variant has not been reported in the literature in individuals affected with CDAN1-related conditions. This variant is present in population databases (rs779555825, gnomAD 0.002%). This sequence change replaces asparagine, which is neutral and polar, with aspartic acid, which is acidic and polar, at codon 963 of the CDAN1 protein (p.Asn963Asp).

NM_138477.4(CDAN1):c.2887A>G (p.Asn963Asp)

Gene: CDAN1 (codanin 1; minus strand). Cytogenetic location: 15q15.2.
Variant type: single nucleotide variant.
Coding change: c.2887A>G on transcript NM_138477.4 (MANE Select); coding-DNA position 2887, A replaced by G.
Protein change: p.Asn963Asp; replaces asparagine 963 with aspartic acid.
Molecular consequence: missense variant.
Genome position (GRCh38, 1-based): chr15:42,728,015, T>C on the plus strand (A>G on the coding strand, the complement: CDAN1 is on the minus strand). VCF-style: chr15-42728015-T-C. GRCh37 (hg19) VCF-style: chr15-43020213-T-C.
Other names: short protein forms N963D.
Identifiers: ClinVar variation 1943051 (VCV001943051.5), dbSNP rs779555825, ClinGen allele CA7515394.
Genomic context (GRCh38, chr15:42,728,015, plus strand): 5'-CTGTGATGTTGGCTGACAGCCAAGCACAGGCTTTCTCTGTTGCAAGCCCCACAGCAATGT[T>C]CTCTGCACTGCTCAGAACCTGCGAAACAGAACTACAGAGTCAGGGGCTAGGGGAGGGCTG-3'
Protein context (NP_612486.2, residues 953-973): TPAAVLSSAE[Asn963Asp]IAVGLATEKA